The following is an entry in ClinVar:

ClinVar aggregate classification (germline): Pathogenic (1 of 4 stars; one submission).

Submission:

GeneDx
Classification: Pathogenic. Last evaluated: 2017-03-21. Review status: criteria provided, single submitter. Criteria: GeneDx Variant Classification (06012015). Collection method: clinical testing. Allele origin: germline. Affected: yes.
Comment: Although the c.295_299delGTGTC pathogenic variant in the ACVRL1 gene has not been reported to our knowledge, this variant causes a shift in reading frame starting at codon valine 99, changing it to a proline, and creating a premature stop codon at position 68 of the new reading frame, denoted p.Val99ProfsX68. This pathogenic variant is expected to result in either an abnormal, truncated protein product or loss of protein from this allele through nonsense-mediated mRNA decay. Other downstream frameshift variants in the ACVRL1 gene have been reported in Human Gene Mutation Database in association with HHT (Stenson et al., 2014), indicating that loss of function is a mechanism of disease for this gene. Furthermore, the c.295_299delGTGTC variant has not been observed in large population cohorts (Lek et al., 2016; 1000 Genomes Consortium et al., 2015; Exome Variant Server).

NM_000020.3(ACVRL1):c.295_299del (p.Val99fs)

Gene: ACVRL1 (activin A receptor like type 1; plus strand). Cytogenetic location: 12q13.13.
Variant type: Deletion.
Coding change: c.295_299del on transcript NM_000020.3 (MANE Select); coding-DNA positions 295 to 299, 5 bases deleted (GTGTC; older notation c.295_299delGTGTC).
Protein change: p.Val99fs; shifts the reading frame from valine 99.
Molecular consequence: frameshift variant.
Genome position (GRCh38, 1-based): chr12:51,913,332-51,913,336, GTGTC deleted; deleting any 5 consecutive bases within chr12:51,913,331-51,913,336 gives the same sequence; the c. name uses the placement nearest the transcript's 3' end. VCF-style (leftmost placement, unchanged base first): chr12-51913330-ACGTGT-A. GRCh37 (hg19) VCF-style: chr12-52307114-ACGTGT-A.
Other names: c.295_299delGTGTC (NM_000020.2); c.295_299del, p.Val99fs (NM_001077401.2); short protein forms V99fs.
Identifiers: ClinVar variation 426959 (VCV000426959.2), dbSNP rs1085307872, ClinGen allele CA645294069.